The following is an entry in ClinVar:

ClinVar aggregate classification (germline): Benign (1 of 4 stars; one submission).

Conditions:
Stuve-Wiedemann syndrome (STWS). Also called: Stüve-Wiedemann syndrome. Identifiers: Orphanet 3206, MedGen C0796176, MONDO:0031280.

Allele frequency attached by ClinVar (database versions not stated): gnomAD exomes 0.00199; 1000 Genomes Project 0.00899; 1000 Genomes Project 30x 0.00921; gnomAD 0.00978 and 0.01049; TOPMed 0.01078.
gnomAD v4.1: 1,622 of 224,232 alleles (0.72%); highest among the groups gnomAD compares: African/African-American, 3.4%; 27 homozygotes.

Submission:

Illumina Laboratory Services, Illumina
Classification: Benign for Stüve-Wiedemann syndrome 1. Last evaluated: 2018-01-13. Review status: criteria provided, single submitter. Criteria: ICSL Variant Classification Criteria 13 December 2019. Collection method: clinical testing. Allele origin: germline.
Comment: This variant was observed in the ICSL laboratory as part of a predisposition screen in an ostensibly healthy population. It had not been previously curated by ICSL or reported in the Human Gene Mutation Database (HGMD: prior to June 1st, 2018), and was therefore a candidate for classification through an automated scoring system. Utilizing variant allele frequency, disease prevalence and penetrance estimates, and inheritance mode, an automated score was calculated to assess if this variant is too frequent to cause the disease. Based on the score and internal cut-off values, a variant classified as benign is not then subjected to further curation. The score for this variant resulted in a classification of benign for this disease.

NM_001127671.2(LIFR):c.*1610T>G

Gene: LIFR (LIF receptor subunit alpha; minus strand). Cytogenetic location: 5p13.1.
Variant type: single nucleotide variant.
Coding change: c.*1610T>G on transcript NM_001127671.2 (MANE Select); 1610 bases downstream of the stop codon, T replaced by G.
Molecular consequence: 3 prime UTR variant.
Genome position (GRCh38, 1-based): chr5:38,479,985, A>C on the plus strand (T>G on the coding strand, the complement: LIFR is on the minus strand). VCF-style: chr5-38479985-A-C. GRCh37 (hg19) VCF-style: chr5-38480087-A-C.
Other names: c.*1610T>G (NM_001364297.2, NM_001364298.2, NM_002310.6).
Identifiers: ClinVar variation 353580 (VCV000353580.5), dbSNP rs2731964, ClinGen allele CA10621853.